The following is an entry in ClinVar:

NM_000143.4(FH):c.1370C>T (p.Thr457Ile)

Gene: FH (fumarate hydratase; minus strand). Cytogenetic location: 1q43.
Variant type: single nucleotide variant.
Coding change: c.1370C>T on transcript NM_000143.4 (MANE Select); coding-DNA position 1370, C replaced by T.
Protein change: p.Thr457Ile; replaces threonine 457 with isoleucine.
Molecular consequence: missense variant.
Genome position (GRCh38, 1-based): chr1:241,500,457, G>A on the plus strand (C>T on the coding strand, the complement: FH is on the minus strand). VCF-style: chr1-241500457-G-A. GRCh37 (hg19) VCF-style: chr1-241663757-G-A.
Other names: short protein forms T457I.
Identifiers: ClinVar variation 4024831 (VCV004024831.2).

ClinVar aggregate classification (germline): Uncertain significance (1 of 4 stars; one submission).

Conditions:
Hereditary cancer-predisposing syndrome. Also called: Neoplastic Syndromes, Hereditary; Tumor predisposition; Hereditary neoplastic syndrome; Hereditary Cancer Syndrome. Identifiers: Orphanet 140162, MedGen C0027672, MeSH D009386, MONDO:0015356.

Submission:

Ambry Genetics
Classification: Uncertain significance for Hereditary cancer-predisposing syndrome. Last evaluated: 2026-03-04. Review status: criteria provided, single submitter. Criteria: Ambry Variant Classification Scheme 2023. Collection method: clinical testing. Allele origin: germline.
Comment: The p.T457I variant (also known as c.1370C>T), located in coding exon 9 of the FH gene, results from a C to T substitution at nucleotide position 1370. The threonine at codon 457 is replaced by isoleucine, an amino acid with similar properties. This amino acid position is conserved. In addition, this alteration is predicted to be deleterious by in silico analysis. Based on the available evidence, the clinical significance of this variant remains unclear.